The following is an entry in ClinVar:

ClinVar aggregate classification (germline): Uncertain significance. Review status: criteria provided, multiple submitters, no conflicts (2 of 4 stars). 2 submissions from 2 submitters: Uncertain significance (2). Last evaluated 2025-10-02.

Conditions:
Hereditary cancer-predisposing syndrome. Also called: Hereditary neoplastic syndrome; Neoplastic Syndromes, Hereditary; Tumor predisposition; Hereditary Cancer Syndrome. Identifiers: Orphanet 140162, MedGen C0027672, MeSH D009386, MONDO:0015356.
Peutz-Jeghers syndrome (PJS). Also called: POLYPOSIS, HAMARTOMATOUS INTESTINAL; POLYPS-AND-SPOTS SYNDROME; Peutz-Jeghers polyposis; Periorificial lentiginosis syndrome. Identifiers: Orphanet 2869, MedGen C0031269, MeSH D010580, MONDO:0008280, OMIM 175200.

Submissions (2):

Labcorp Genetics (formerly Invitae), Labcorp
Classification: Uncertain significance for Peutz-Jeghers syndrome. Last evaluated: 2025-10-02. Review status: criteria provided, single submitter. Criteria: Invitae Variant Classification Sherloc (09022015). Collection method: clinical testing. Allele origin: germline.
Comment: This sequence change replaces phenylalanine, which is neutral and non-polar, with tyrosine, which is neutral and polar, at codon 219 of the STK11 protein (p.Phe219Tyr). This variant is not present in population databases (gnomAD no frequency). This variant has not been reported in the literature in individuals affected with STK11-related conditions. ClinVar contains an entry for this variant (Variation ID: 485016). Invitae Evidence Modeling of protein sequence and biophysical properties (such as structural, functional, and spatial information, amino acid conservation, physicochemical variation, residue mobility, and thermodynamic stability) has been performed for this missense variant. However, the output from this modeling did not meet the statistical confidence thresholds required to predict the impact of this variant on STK11 protein function. In summary, the available evidence is currently insufficient to determine the role of this variant in disease. Therefore, it has been classified as a Variant of Uncertain Significance.

Ambry Genetics
Classification: Uncertain significance for Hereditary cancer-predisposing syndrome. Last evaluated: 2017-01-24. Review status: criteria provided, single submitter. Criteria: Ambry Variant Classification Scheme 2023. Collection method: clinical testing. Allele origin: germline.
Comment: The p.F219Y variant (also known as c.656T>A), located in coding exon 5 of the STK11 gene, results from a T to A substitution at nucleotide position 656. The phenylalanine at codon 219 is replaced by tyrosine, an amino acid with highly similar properties. This amino acid position is highly conserved in available vertebrate species. In addition, the in silico prediction for this alteration is inconclusive. Since supporting evidence is limited at this time, the clinical significance of this alteration remains unclear.

NM_000455.5(STK11):c.656T>A (p.Phe219Tyr)

Gene: STK11 (serine/threonine kinase 11; plus strand). Cytogenetic location: 19p13.3.
Variant type: single nucleotide variant.
Coding change: c.656T>A on transcript NM_000455.5 (MANE Select); coding-DNA position 656, T replaced by A.
Protein change: p.Phe219Tyr; replaces phenylalanine 219 with tyrosine.
Molecular consequence: missense variant.
Genome position (GRCh38, 1-based): chr19:1,220,639, T>A. VCF-style: chr19-1220639-T-A. GRCh37 (hg19) VCF-style: chr19-1220638-T-A.
Other names: short protein forms F219Y.
Identifiers: ClinVar variation 485016 (VCV000485016.6), dbSNP rs1555738411, ClinGen allele CA402949644.